The following is an entry in ClinVar:

ClinVar aggregate classification (germline): Conflicting classifications of pathogenicity. Review status: criteria provided, conflicting classifications (1 of 4 stars). 3 submissions from 3 submitters: Uncertain significance (1); Likely benign (1). 1 of the submissions does not count toward it. Last evaluated 2026-01-12.

Conditions:
KIDINS220-related disorder. Also called: KIDINS220-related condition.
Inborn genetic diseases. Identifiers: MedGen C0950123, MeSH D030342.

Allele frequency attached by ClinVar (database versions not stated): gnomAD 0.00005; gnomAD exomes 0.00006 and 0.00014; TOPMed 0.00007; ExAC 0.00014.
gnomAD v4.1: 43 of 1,614,064 alleles (0.0027%); highest among the groups gnomAD compares: Admixed American, 0.072%; no homozygotes.

Submissions (3):

Labcorp Genetics (formerly Invitae), Labcorp
Classification: Uncertain significance. Last evaluated: 2026-01-12. Review status: criteria provided, single submitter. Criteria: Invitae Variant Classification Sherloc (09022015). Collection method: clinical testing. Allele origin: germline.
Comment: This sequence change replaces lysine, which is basic and polar, with asparagine, which is neutral and polar, at codon 1435 of the KIDINS220 protein (p.Lys1435Asn). This variant is present in population databases (rs776518265, gnomAD 0.1%). This variant has not been reported in the literature in individuals affected with KIDINS220-related conditions. ClinVar contains an entry for this variant (Variation ID: 1415210). An algorithm developed to predict the effect of missense changes on protein structure and function (PolyPhen-2) suggests that this variant is likely to be tolerated. In summary, the available evidence is currently insufficient to determine the role of this variant in disease. Therefore, it has been classified as a Variant of Uncertain Significance.

Ambry Genetics
Classification: Likely benign for Inborn genetic diseases. Last evaluated: 2025-09-09. Review status: criteria provided, single submitter. Criteria: Ambry Variant Classification Scheme 2023. Collection method: clinical testing. Allele origin: germline.

PreventionGenetics, part of Exact Sciences
Classification: Uncertain significance for KIDINS220-related condition. Last evaluated: 2024-05-14. Review status: no assertion criteria provided. Collection method: clinical testing. Allele origin: germline. Not counted in ClinVar's aggregate classification.
Comment: The KIDINS220 c.4305G>T variant is predicted to result in the amino acid substitution p.Lys1435Asn. To our knowledge, this variant has not been reported in the literature. This variant is reported in 0.099% of alleles in individuals of Latino descent in gnomAD, which is likely too common for an undocumented disease-causing variant. Although we suspect that this variant may be benign, at this time, the clinical significance of this variant is uncertain due to the absence of conclusive functional and genetic evidence.

NM_020738.4(KIDINS220):c.4305G>T (p.Lys1435Asn)

Gene: KIDINS220 (kinase D interacting substrate 220; minus strand). Cytogenetic location: 2p25.1.
Variant type: single nucleotide variant.
Coding change: c.4305G>T on transcript NM_020738.4 (MANE Select); coding-DNA position 4305, G replaced by T.
Protein change: p.Lys1435Asn; replaces lysine 1435 with asparagine.
Molecular consequence: missense variant. On other transcripts: intron variant (6).
Genome position (GRCh38, 1-based): chr2:8,731,731, C>A on the plus strand (G>T on the coding strand, the complement: KIDINS220 is on the minus strand). VCF-style: chr2-8731731-C-A. GRCh37 (hg19) VCF-style: chr2-8871861-C-A.
Other names: c.4308G>T, p.Lys1436Asn (NM_001348729.2); c.4251G>T, p.Lys1417Asn (NM_001348731.2); c.4248G>T, p.Lys1416Asn (NM_001348732.2); c.4137G>T, p.Lys1379Asn (NM_001348734.2); c.4134G>T, p.Lys1378Asn (NM_001348735.2); c.4008G>T, p.Lys1336Asn (NM_001348736.2); c.3882+1713G>T (NM_001348741.2, NM_001348742.2, NM_001348743.2); c.3996+1713G>T (NM_001348738.2); and 2 more; short protein forms K1378N, K1379N, K1416N, K1336N, K1436N, K1417N, K1435N.
Identifiers: ClinVar variation 1415210 (VCV001415210.11), dbSNP rs776518265, ClinGen allele CA1519389.